The following is an entry in ClinVar:

ClinVar aggregate classification (germline): Uncertain significance (1 of 4 stars; one submission).

Conditions:
Autosomal recessive limb-girdle muscular dystrophy type 2O. Also called: MUSCULAR DYSTROPHY-DYSTROGLYCANOPATHY (LIMB-GIRDLE), TYPE C, 3; MUSCULAR DYSTROPHY-DYSTROGLYCANOPATHY, LIMB-GIRDLE, POMGNT1-RELATED; Limb-Girdle Muscular Dystrophy Type 3C. Identifiers: Orphanet 206564, MedGen C3150417, MONDO:0013161, OMIM 613157.
Muscular dystrophy-dystroglycanopathy (congenital with impaired intellectual development), type B, 3. Also called: MUSCULAR DYSTROPHY, CONGENITAL, POMGNT1-RELATED; Muscular dystrophy-dystroglycanopathy (congenital with intellectual disability), type B3. Identifiers: MedGen C3150412, MONDO:0013155, OMIM 613151.

Submission:

Labcorp Genetics (formerly Invitae), Labcorp
Classification: Uncertain significance for Limb-girdle muscular dystrophy-dystroglycanopathy, type C3; Congenital muscular dystrophy-dystroglycanopathy with mental retardation, type B3. Last evaluated: 2019-05-01. Review status: criteria provided, single submitter. Criteria: Invitae Variant Classification Sherloc (09022015). Collection method: clinical testing. Allele origin: germline.
Comment: This variant results in a copy number gain of the genomic region encompassing the full coding sequence of the POMGNT1 gene. The boundaries of this event are unknown as they extend beyond the assayed region for this gene and therefore may encompass additional genes. As the precise location of this event is unknown, it may be in tandem or it may be located elsewhere in the genome. This variant has not been reported in the literature in individuals with POMGNT1-related disease. In summary, the available evidence is currently insufficient to determine the role of this variant in disease. Therefore, it has been classified as a Variant of Uncertain Significance.

NC_000001.11:g.(?_46189232)_(46197831_?)dup

Gene: POMGNT1 (protein O-linked mannose N-acetylglucosaminyltransferase 1 (beta 1,2-); minus strand). Cytogenetic location: 1p34.1.
Variant type: Duplication.
Identifiers: ClinVar variation 831189 (VCV000831189.1).